The following is an entry in ClinVar:

NM_018368.4(LMBRD1):c.775C>T (p.Arg259Ter)

Gene: LMBRD1 (LMBR1 domain containing 1; minus strand). Cytogenetic location: 6q13.
Variant type: single nucleotide variant.
Coding change: c.775C>T on transcript NM_018368.4 (MANE Select); coding-DNA position 775, C replaced by T.
Protein change: p.Arg259Ter; replaces arginine 259 with a stop codon.
Molecular consequence: nonsense.
Genome position (GRCh38, 1-based): chr6:69,713,785, G>A on the plus strand (C>T on the coding strand, the complement: LMBRD1 is on the minus strand). VCF-style: chr6-69713785-G-A. GRCh37 (hg19) VCF-style: chr6-70423677-G-A.
Other names: c.556C>T, p.Arg186Ter (NM_001363722.2, NM_001367271.1, NM_001367272.1); short protein forms R186*, R259*.
Identifiers: ClinVar variation 3003435 (VCV003003435.3), dbSNP rs779142724, ClinGen allele CA3879782.

ClinVar aggregate classification (germline): Pathogenic (1 of 4 stars; one submission).

Conditions:
Methylmalonic aciduria and homocystinuria type cblF. Also called: COBALAMIN F DISEASE; COBALAMIN, DEFECT IN LYSOSOMAL RELEASE OF; METHYLMALONIC ACIDEMIA AND HOMOCYSTINURIA, cblF TYPE; METHYLMALONIC ACIDURIA DUE TO VITAMIN B12-RELEASE DEFECT; VITAMIN B12 LYSOSOMAL RELEASE DEFECT; VITAMIN B12 STORAGE DISEASE. Identifiers: Orphanet 79284, MedGen C1848578, MONDO:0010183, OMIM 277380.

Allele frequency attached by ClinVar (database versions not stated): gnomAD exomes below 0.00001; ExAC 0.00001.
gnomAD v4.1: 4 of 1,613,392 alleles (0.00025%); highest among the groups gnomAD compares: South Asian, 0.0033%; no homozygotes.

Submission:

Labcorp Genetics (formerly Invitae), Labcorp
Classification: Pathogenic for Methylmalonic aciduria and homocystinuria type cblF. Last evaluated: 2023-10-04. Review status: criteria provided, single submitter. Criteria: Invitae Variant Classification Sherloc (09022015). Collection method: clinical testing. Allele origin: germline.
Comment: This sequence change creates a premature translational stop signal (p.Arg259*) in the LMBRD1 gene. It is expected to result in an absent or disrupted protein product. Loss-of-function variants in LMBRD1 are known to be pathogenic (PMID: 19136951, 21303734). This variant is present in population databases (rs779142724, gnomAD 0.003%). This variant has not been reported in the literature in individuals affected with LMBRD1-related conditions. For these reasons, this variant has been classified as Pathogenic.

Literature cited by the submitters: PubMed 19136951; PubMed 21303734.